The following is an entry in ClinVar:

NM_000368.5(TSC1):c.3154C>T (p.Pro1052Ser)

Gene: TSC1 (TSC complex subunit 1; minus strand). Cytogenetic location: 9q34.13.
Variant type: single nucleotide variant.
Coding change: c.3154C>T on transcript NM_000368.5 (MANE Select); coding-DNA position 3154, C replaced by T.
Protein change: p.Pro1052Ser; replaces proline 1052 with serine.
Molecular consequence: missense variant.
Genome position (GRCh38, 1-based): chr9:132,896,576, G>A on the plus strand (C>T on the coding strand, the complement: TSC1 is on the minus strand). VCF-style: chr9-132896576-G-A. GRCh37 (hg19) VCF-style: chr9-135771963-G-A.
Other names: c.3151C>T, p.Pro1051Ser (NM_001162426.2, NM_001406597.1, NM_001406598.1 and 2 more transcripts); c.3001C>T, p.Pro1001Ser (NM_001162427.2, NM_001406610.1); c.2791C>T, p.Pro931Ser (NM_001362177.2, NM_001406614.1, NM_001406615.1 and 4 more transcripts); c.3154C>T, p.Pro1052Ser (NM_001406592.1, NM_001406593.1, NM_001406594.1 and 2 more transcripts); c.3139C>T, p.Pro1047Ser (NM_001406601.1, NM_001406602.1); c.3136C>T, p.Pro1046Ser (NM_001406603.1, NM_001406604.1); c.3112C>T, p.Pro1038Ser (NM_001406605.1, NM_001406606.1, NM_001406607.1); c.3109C>T, p.Pro1037Ser (NM_001406608.1, NM_001406609.1); and 8 more; short protein forms P1046S, P1051S, P1052S, P916S, P986S, P1038S, P1047S, P931S.
Identifiers: ClinVar variation 1728219 (VCV001728219.2), dbSNP rs2131605278, ClinGen allele CA375367223.

ClinVar aggregate classification (germline): Uncertain significance (1 of 4 stars; one submission).

Conditions:
Hereditary cancer-predisposing syndrome. Also called: Tumor predisposition; Neoplastic Syndromes, Hereditary; Hereditary Cancer Syndrome; Hereditary neoplastic syndrome. Identifiers: Orphanet 140162, MedGen C0027672, MeSH D009386, MONDO:0015356.

Allele frequency attached by ClinVar (database versions not stated): gnomAD exomes below 0.00001.
gnomAD v4.1: 2 of 1,614,018 alleles (0.00012%); highest among the groups gnomAD compares: Non-Finnish European, 0.00017%; no homozygotes.

Submission:

Ambry Genetics
Classification: Uncertain significance for Hereditary cancer-predisposing syndrome. Last evaluated: 2020-06-01. Review status: criteria provided, single submitter. Criteria: Ambry Variant Classification Scheme 2023. Collection method: clinical testing. Allele origin: germline.
Comment: The p.P1052S variant (also known as c.3154C>T), located in coding exon 21 of the TSC1 gene, results from a C to T substitution at nucleotide position 3154. The proline at codon 1052 is replaced by serine, an amino acid with similar properties. This amino acid position is well conserved in available vertebrate species. In addition, this alteration is predicted to be tolerated by in silico analysis. Since supporting evidence is limited at this time, the clinical significance of this alteration remains unclear.